The following is an entry in ClinVar:

ClinVar aggregate classification (germline): Uncertain significance. Review status: criteria provided, multiple submitters, no conflicts (2 of 4 stars). 2 submissions from 2 submitters: Uncertain significance (2). Last evaluated 2026-03-27.

Conditions:
Cardiovascular phenotype. Identifiers: MedGen CN230736.
Hypertrophic cardiomyopathy. Also called: HYPERTROPHIC MYOCARDIOPATHY. Identifiers: Orphanet 217569, MedGen C0007194, MeSH D002312, MONDO:0005045, HP:0001639.

Submissions (2):

Molecular Diagnostic Laboratory for Inherited Cardiovascular Disease, Montreal Heart Institute
Classification: Uncertain significance for Cardiovascular phenotype. Last evaluated: 2026-03-27. Review status: criteria provided, single submitter. Criteria: ACMG Guidelines, 2015. Collection method: clinical testing. Allele origin: germline. Affected: yes.
Comment: PM2

Labcorp Genetics (formerly Invitae), Labcorp
Classification: Uncertain significance for Hypertrophic cardiomyopathy. Last evaluated: 2022-07-19. Review status: criteria provided, single submitter. Criteria: Invitae Variant Classification Sherloc (09022015). Collection method: clinical testing. Allele origin: germline.
Comment: This sequence change replaces alanine, which is neutral and non-polar, with threonine, which is neutral and polar, at codon 1336 of the MYH7 protein (p.Ala1336Thr). This variant is not present in population databases (gnomAD no frequency). In summary, the available evidence is currently insufficient to determine the role of this variant in disease. Therefore, it has been classified as a Variant of Uncertain Significance. Algorithms developed to predict the effect of missense changes on protein structure and function are either unavailable or do not agree on the potential impact of this missense change (SIFT: "Deleterious"; PolyPhen-2: "Benign"; Align-GVGD: "Class C0"). ClinVar contains an entry for this variant (Variation ID: 1037729). This variant has not been reported in the literature in individuals affected with MYH7-related conditions.

NM_000257.4(MYH7):c.4006G>A (p.Ala1336Thr)

Gene: MYH7 (myosin heavy chain 7; minus strand). Cytogenetic location: 14q11.2.
Variant type: single nucleotide variant.
Coding change: c.4006G>A on transcript NM_000257.4 (MANE Select); coding-DNA position 4006, G replaced by A.
Protein change: p.Ala1336Thr; replaces alanine 1336 with threonine.
Molecular consequence: missense variant.
Genome position (GRCh38, 1-based): chr14:23,418,373, C>T on the plus strand (G>A on the coding strand, the complement: MYH7 is on the minus strand). VCF-style: chr14-23418373-C-T. GRCh37 (hg19) VCF-style: chr14-23887582-C-T.
Other names: c.4006G>A (NM_000257.3); short protein forms A1336T.
Identifiers: ClinVar variation 1037729 (VCV001037729.9), dbSNP rs1892320047, ClinGen allele CA389041246.